The following is an entry in ClinVar:

ClinVar aggregate classification (germline): Uncertain significance (1 of 4 stars; one submission).

Allele frequency attached by ClinVar (database versions not stated): gnomAD exomes below 0.00001.
gnomAD v4.1: 1 of 1,614,198 alleles (0.000062%); highest among the groups gnomAD compares: Non-Finnish European, 0.000085%; no homozygotes.

Submission:

Labcorp Genetics (formerly Invitae), Labcorp
Classification: Uncertain significance. Last evaluated: 2022-11-03. Review status: criteria provided, single submitter. Criteria: Invitae Variant Classification Sherloc (09022015). Collection method: clinical testing. Allele origin: germline.
Comment: This sequence change replaces glycine, which is neutral and non-polar, with alanine, which is neutral and non-polar, at codon 661 of the ACO2 protein (p.Gly661Ala). This variant is not present in population databases (gnomAD no frequency). This variant has not been reported in the literature in individuals affected with ACO2-related conditions. Advanced modeling of protein sequence and biophysical properties (such as structural, functional, and spatial information, amino acid conservation, physicochemical variation, residue mobility, and thermodynamic stability) performed at Invitae indicates that this missense variant is not expected to disrupt ACO2 protein function. In summary, the available evidence is currently insufficient to determine the role of this variant in disease. Therefore, it has been classified as a Variant of Uncertain Significance.

NM_001098.3(ACO2):c.1982G>C (p.Gly661Ala)

Genes: ACO2 (aconitase 2; plus strand), POLR3H (RNA polymerase III subunit H; minus strand). Cytogenetic location: 22q13.2.
Variant type: single nucleotide variant.
Coding change: c.1982G>C on transcript NM_001098.3 (MANE Select); coding-DNA position 1982, G replaced by C.
Protein change: p.Gly661Ala; replaces glycine 661 with alanine.
Molecular consequence: missense variant. On other transcripts: 3 prime UTR variant (5).
Genome position (GRCh38, 1-based): chr22:41,527,316, G>C. VCF-style: chr22-41527316-G-C. GRCh37 (hg19) VCF-style: chr22-41923320-G-C.
Other names: c.*1967C>G (NM_001018050.4, NM_001018052.4, NM_001282884.2 and 2 more transcripts); short protein forms G661A.
Identifiers: ClinVar variation 2012493 (VCV002012493.4), dbSNP rs2066621920, ClinGen allele CA411728848.